The following is an entry in ClinVar:

ClinVar aggregate classification (germline): Uncertain significance (1 of 4 stars; one submission).

Conditions:
Inflammatory skin and bowel disease, neonatal, 1. Identifiers: Orphanet 294023, MedGen C3280501, MONDO:0013693, OMIM 614328.

Allele frequency attached by ClinVar (database versions not stated): ExAC 0.00001; gnomAD 0.00001; gnomAD exomes 0.00001; TOPMed 0.00002; 1000 Genomes Project 0.00020; 1000 Genomes Project 30x 0.00031.
gnomAD v4.1: 11 of 1,614,112 alleles (0.00068%); highest among the groups gnomAD compares: Middle Eastern, 0.017%; no homozygotes.

Submission:

Labcorp Genetics (formerly Invitae), Labcorp
Classification: Uncertain significance for Inflammatory skin and bowel disease, neonatal, 1. Last evaluated: 2022-10-25. Review status: criteria provided, single submitter. Criteria: Invitae Variant Classification Sherloc (09022015). Collection method: clinical testing. Allele origin: germline.
Comment: This sequence change replaces arginine, which is basic and polar, with histidine, which is basic and polar, at codon 738 of the ADAM17 protein (p.Arg738His). This variant has not been reported in the literature in individuals affected with ADAM17-related conditions. This variant is present in population databases (rs538865826, gnomAD 0.002%). In summary, the available evidence is currently insufficient to determine the role of this variant in disease. Therefore, it has been classified as a Variant of Uncertain Significance. Algorithms developed to predict the effect of missense changes on protein structure and function are either unavailable or do not agree on the potential impact of this missense change (SIFT: "Not Available"; PolyPhen-2: "Possibly Damaging"; Align-GVGD: "Not Available"). ClinVar contains an entry for this variant (Variation ID: 1437601).

NM_003183.6(ADAM17):c.2213G>A (p.Arg738His)

Genes: ADAM17 (ADAM metallopeptidase domain 17; minus strand), IAH1 (isoamyl acetate hydrolyzing esterase 1 (putative); plus strand). Cytogenetic location: 2p25.1.
Variant type: single nucleotide variant.
Coding change: c.2213G>A on transcript NM_003183.6 (MANE Select); coding-DNA position 2213, G replaced by A.
Protein change: p.Arg738His; replaces arginine 738 with histidine.
Molecular consequence: missense variant.
Genome position (GRCh38, 1-based): chr2:9,490,439, C>T on the plus strand (G>A on the coding strand, the complement: ADAM17 is on the minus strand). VCF-style: chr2-9490439-C-T. GRCh37 (hg19) VCF-style: chr2-9630568-C-T.
Other names: c.1553G>A, p.Arg518His (NM_001382777.1); c.1316G>A, p.Arg439His (NM_001382778.1); short protein forms R518H, R738H, R439H.
Identifiers: ClinVar variation 1437601 (VCV001437601.7), dbSNP rs538865826, ClinGen allele CA1523262.